The following is an entry in ClinVar:

ClinVar aggregate classification (germline): Uncertain significance. Review status: criteria provided, multiple submitters, no conflicts (2 of 4 stars). 2 submissions from 2 submitters: Uncertain significance (2). Last evaluated 2025-12-25.

Conditions:
Inborn genetic diseases. Identifiers: MedGen C0950123, MeSH D030342.

Allele frequency attached by ClinVar (database versions not stated): gnomAD 0.00001; gnomAD exomes 0.00001; TOPMed below 0.00001; ExAC 0.00001.
gnomAD v4.1: 15 of 1,613,988 alleles (0.00093%); highest among the groups gnomAD compares: Non-Finnish European, 0.0013%; no homozygotes.

Submissions (2):

Labcorp Genetics (formerly Invitae), Labcorp
Classification: Uncertain significance. Last evaluated: 2025-12-25. Review status: criteria provided, single submitter. Criteria: Invitae Variant Classification Sherloc (09022015). Collection method: clinical testing. Allele origin: germline.
Comment: This sequence change replaces lysine, which is basic and polar, with glutamic acid, which is acidic and polar, at codon 115 of the MECOM protein (p.Lys115Glu). This variant is present in population databases (rs758012210, gnomAD 0.002%). This variant has not been reported in the literature in individuals affected with MECOM-related conditions. ClinVar contains an entry for this variant (Variation ID: 2094893). An algorithm developed to predict the effect of missense changes on protein structure and function (PolyPhen-2) suggests that this variant is likely to be disruptive. In summary, the available evidence is currently insufficient to determine the role of this variant in disease. Therefore, it has been classified as a Variant of Uncertain Significance.

Ambry Genetics
Classification: Uncertain significance for Inborn genetic diseases. Last evaluated: 2025-01-18. Review status: criteria provided, single submitter. Criteria: Ambry Variant Classification Scheme 2023. Collection method: clinical testing. Allele origin: germline.
Comment: The p.K303E variant (also known as c.907A>G), located in coding exon 6 of the MECOM gene, results from an A to G substitution at nucleotide position 907. The lysine at codon 303 is replaced by glutamic acid, an amino acid with similar properties. This amino acid position is conserved. In addition, the in silico prediction for this alteration is inconclusive. Based on the available evidence, the clinical significance of this variant remains unclear.

NM_004991.4(MECOM):c.907A>G (p.Lys303Glu)

Gene: MECOM (MDS1 and EVI1 complex locus; minus strand). Cytogenetic location: 3q26.2.
Variant type: single nucleotide variant.
Coding change: c.907A>G on transcript NM_004991.4 (MANE Select); coding-DNA position 907, A replaced by G.
Protein change: p.Lys303Glu; replaces lysine 303 with glutamic acid.
Molecular consequence: missense variant.
Genome position (GRCh38, 1-based): chr3:169,122,651, T>C on the plus strand (A>G on the coding strand, the complement: MECOM is on the minus strand). VCF-style: chr3-169122651-T-C. GRCh37 (hg19) VCF-style: chr3-168840439-T-C.
Other names: c.907A>G (NM_004991.3); c.535A>G, p.Lys179Glu (NM_001105077.4); c.343A>G, p.Lys115Glu (NM_001105078.4, NM_001163999.2, NM_001164000.2 and 9 more transcripts); c.907A>G, p.Lys303Glu (NM_001366466.2, NM_001366473.2); short protein forms K115E, K303E, K179E.
Identifiers: ClinVar variation 2094893 (VCV002094893.5), dbSNP rs758012210, ClinGen allele CA2696433.
Genomic context (GRCh38, chr3:169,122,651, plus strand): 5'-TTTCACATTCATAGTGCTTTCCACTGTCATGTGACATCTGGTGGCGAATTAAATTGGACT[T>C]CCAGTTAAATGCCTTGGGACACTGATCACACTTGTATTCCCTCTCTTCAGTATGTGACAG-3'
Protein context (NP_004982.2, residues 293-313): CDQCPKAFNW[Lys303Glu]SNLIRHQMSH